The following is an entry in ClinVar:

ClinVar aggregate classification (germline): Uncertain significance (1 of 4 stars; one submission).

Submission:

GeneDx
Classification: Uncertain significance. Last evaluated: 2024-05-22. Review status: criteria provided, single submitter. Criteria: GeneDx Variant Classification Process June 2021. Collection method: clinical testing. Allele origin: germline. Affected: yes.
Comment: Not observed at significant frequency in large population cohorts (gnomAD); Frameshift variant predicted to result in protein truncation or nonsense mediated decay in a gene or region of a gene for which loss of function is not a well-established mechanism of disease; Has not been previously published as pathogenic or benign to our knowledge

NM_018149.7(SMG8):c.752del (p.Gly251fs)

Gene: SMG8 (SMG8 nonsense mediated mRNA decay factor; plus strand). Cytogenetic location: 17q22.
Variant type: Deletion.
Coding change: c.752del on transcript NM_018149.7 (MANE Select); coding-DNA position 752, one base deleted (G; older notation c.752delG).
Protein change: p.Gly251fs; shifts the reading frame from glycine 251.
Molecular consequence: frameshift variant.
Genome position (GRCh38, 1-based): chr17:59,210,803, G deleted; the last of 2 consecutive G bases (chr17:59,210,802-59,210,803); deleting either gives the same sequence. VCF-style (leftmost placement, unchanged base first): chr17-59210801-TG-T. GRCh37 (hg19) VCF-style: chr17-57288162-TG-T.
Other names: short protein forms G251fs.
Identifiers: ClinVar variation 3381578 (VCV003381578.1).